The following is an entry in ClinVar:

NM_205836.3(FBXO38):c.3473G>A (p.Arg1158His)

Gene: FBXO38 (F-box protein 38; plus strand). Cytogenetic location: 5q32.
Variant type: single nucleotide variant.
Coding change: c.3473G>A on transcript NM_205836.3 (MANE Select); coding-DNA position 3473, G replaced by A.
Protein change: p.Arg1158His; replaces arginine 1158 with histidine.
Molecular consequence: missense variant.
Genome position (GRCh38, 1-based): chr5:148,442,053, G>A. VCF-style: chr5-148442053-G-A. GRCh37 (hg19) VCF-style: chr5-147821616-G-A.
Other names: c.2738G>A, p.Arg913His (NM_001271723.2); c.3248G>A, p.Arg1083His (NM_030793.5); short protein forms R1158H, R1083H, R913H.
Identifiers: ClinVar variation 959005 (VCV000959005.12), dbSNP rs754331887, ClinGen allele CA3497756.
Genomic context (GRCh38, chr5:148,442,053, plus strand): 5'-AAGGACAGCTGTCTGCAGACATCTGTATGGAAACAATAGGAGAGGAAATTTCAGAGATGC[G>A]TCAGATGAAGAAGGGTGTATTTCAGCGAGTAGTGGCAATTTTTATCCACTATTGTGATGT-3'
Protein context (NP_995308.1, residues 1148-1168): ETIGEEISEM[Arg1158His]QMKKGVFQRV

ClinVar aggregate classification (germline): Uncertain significance. Review status: criteria provided, multiple submitters, no conflicts (2 of 4 stars). 3 submissions from 3 submitters: Uncertain significance (3). Last evaluated 2026-06-30.

Conditions:
FBXO38-related disorder. Also called: FBXO38-related condition.
Distal hereditary motor neuropathy type 2. Identifiers: Orphanet 139525, MedGen C3711384, MeSH C580044, MONDO:0015352.

Allele frequency attached by ClinVar (database versions not stated): ExAC 0.00002; gnomAD exomes 0.00002; TOPMed 0.00002; gnomAD 0.00004.
gnomAD v4.1: 18 of 1,613,924 alleles (0.0011%); highest among the groups gnomAD compares: South Asian, 0.0033%; no homozygotes.

Submissions (3):

GeneDx
Classification: Uncertain significance. Last evaluated: 2026-06-30. Review status: criteria provided, single submitter. Criteria: GeneDx Variant Classification Process June 2021. Collection method: clinical testing. Allele origin: germline.
Comment: In silico analysis supports that this missense variant has a deleterious effect on protein structure/function; Has not been previously published as pathogenic or benign to our knowledge

PreventionGenetics, part of Exact Sciences
Classification: Uncertain significance for FBXO38-related condition. Last evaluated: 2026-04-08. Review status: criteria provided, single submitter. Criteria: ACMG Guidelines, 2015. Collection method: clinical testing. Allele origin: germline.
Comment: The FBXO38 c.3248G>A variant is predicted to result in the amino acid substitution p.Arg1083His. To our knowledge, this variant has not been reported in the literature. This variant is reported in 0.0065% of alleles in individuals of South Asian descent in gnomAD. At this time, the clinical significance of this variant is uncertain due to the absence of conclusive functional and genetic evidence.

Labcorp Genetics (formerly Invitae), Labcorp
Classification: Uncertain significance for Distal hereditary motor neuropathy type 2. Last evaluated: 2024-10-30. Review status: criteria provided, single submitter. Criteria: Invitae Variant Classification Sherloc (09022015). Collection method: clinical testing. Allele origin: germline.
Comment: This sequence change replaces arginine, which is basic and polar, with histidine, which is basic and polar, at codon 1083 of the FBXO38 protein (p.Arg1083His). This variant is present in population databases (rs754331887, gnomAD 0.006%). This missense change has been observed in individual(s) with clinical features of FBX038-related conditions (internal data). ClinVar contains an entry for this variant (Variation ID: 959005). An algorithm developed to predict the effect of missense changes on protein structure and function (PolyPhen-2) suggests that this variant is likely to be disruptive. In summary, the available evidence is currently insufficient to determine the role of this variant in disease. Therefore, it has been classified as a Variant of Uncertain Significance.